The following is an entry in ClinVar:

ClinVar aggregate classification (germline): Uncertain significance (1 of 4 stars; one submission).

Conditions:
Emery-Dreifuss muscular dystrophy 5, autosomal dominant (EDMD5). Also called: EMERY-DREIFUSS MUSCULAR DYSTROPHY 5. Identifiers: Orphanet 261, MedGen C2751805, MONDO:0013072, OMIM 612999.

Allele frequency attached by ClinVar (database versions not stated): gnomAD 0.00001; TOPMed 0.00001.
gnomAD v4.1: 1 of 1,613,954 alleles (0.000062%); highest among the groups gnomAD compares: Non-Finnish European, 0.000085%; no homozygotes.

Submission:

Labcorp Genetics (formerly Invitae), Labcorp
Classification: Uncertain significance for Emery-Dreifuss muscular dystrophy 5, autosomal dominant. Last evaluated: 2022-07-24. Review status: criteria provided, single submitter. Criteria: Invitae Variant Classification Sherloc (09022015). Collection method: clinical testing. Allele origin: germline.
Comment: This variant is not present in population databases (gnomAD no frequency). This variant has not been reported in the literature in individuals affected with SYNE2-related conditions. Algorithms developed to predict the effect of missense changes on protein structure and function output the following: SIFT: "Tolerated"; PolyPhen-2: "Benign"; Align-GVGD: "Class C0". The threonine amino acid residue is found in multiple mammalian species, which suggests that this missense change does not adversely affect protein function. In summary, the available evidence is currently insufficient to determine the role of this variant in disease. Therefore, it has been classified as a Variant of Uncertain Significance. This sequence change replaces isoleucine, which is neutral and non-polar, with threonine, which is neutral and polar, at codon 352 of the SYNE2 protein (p.Ile352Thr).

NM_182914.3(SYNE2):c.1055T>C (p.Ile352Thr)

Gene: SYNE2 (spectrin repeat containing nuclear envelope protein 2; plus strand). Cytogenetic location: 14q23.2.
Variant type: single nucleotide variant.
Coding change: c.1055T>C on transcript NM_182914.3 (MANE Select); coding-DNA position 1055, T replaced by C.
Protein change: p.Ile352Thr; replaces isoleucine 352 with threonine.
Molecular consequence: missense variant.
Genome position (GRCh38, 1-based): chr14:63,967,773, T>C. VCF-style: chr14-63967773-T-C. GRCh37 (hg19) VCF-style: chr14-64434491-T-C.
Other names: c.1055T>C, p.Ile352Thr (NM_015180.6); short protein forms I352T.
Identifiers: ClinVar variation 1713664 (VCV001713664.5), dbSNP rs2096414700, ClinGen allele CA389950612.
Genomic context (GRCh38, chr14:63,967,773, plus strand): 5'-TGCTGTCCTTTATGGAGTCATTCAATGAAGAAAAAAAGTCCTTTTTGGATGTCCTGTCAA[T>C]AAAACGGGATCTGGATGAGCTGGACAAGGATCATTTACAGTTGAGAGAAGCCTGGGATGG-3'
Protein context (NP_878918.2, residues 342-362): EKKSFLDVLS[Ile352Thr]KRDLDELDKD